The following is an entry in ClinVar:

NM_152783.5(D2HGDH):c.968G>A (p.Arg323His)

Gene: D2HGDH (D-2-hydroxyglutarate dehydrogenase; plus strand). Cytogenetic location: 2q37.3.
Variant type: single nucleotide variant.
Coding change: c.968G>A on transcript NM_152783.5 (MANE Select); coding-DNA position 968, G replaced by A.
Protein change: p.Arg323His; replaces arginine 323 with histidine.
Molecular consequence: missense variant.
Genome position (GRCh38, 1-based): chr2:241,750,265, G>A. VCF-style: chr2-241750265-G-A. GRCh37 (hg19) VCF-style: chr2-242689680-G-A.
Other names: c.566G>A, p.Arg189His (NM_001287249.2); c.407G>A, p.Arg136His (NM_001352824.2); short protein forms R136H, R189H, R323H.
Identifiers: ClinVar variation 3624547 (VCV003624547.2).

ClinVar aggregate classification (germline): Uncertain significance (1 of 4 stars; one submission).

Conditions:
D-2-hydroxyglutaric aciduria 1 (D2HGA1). Identifiers: Orphanet 79315, MedGen C3152055, MONDO:0024554, OMIM 600721.

gnomAD v4.1: 12 of 1,613,546 alleles (0.00074%); highest among the groups gnomAD compares: African/African-American, 0.0013%; no homozygotes.

Submission:

Labcorp Genetics (formerly Invitae), Labcorp
Classification: Uncertain significance for D-2-hydroxyglutaric aciduria 1. Last evaluated: 2024-09-11. Review status: criteria provided, single submitter. Criteria: Invitae Variant Classification Sherloc (09022015). Collection method: clinical testing. Allele origin: germline.
Comment: This sequence change replaces arginine, which is basic and polar, with histidine, which is basic and polar, at codon 323 of the D2HGDH protein (p.Arg323His). This variant is present in population databases (no rsID available, gnomAD 0.004%). This variant has not been reported in the literature in individuals affected with D2HGDH-related conditions. Invitae Evidence Modeling of protein sequence and biophysical properties (such as structural, functional, and spatial information, amino acid conservation, physicochemical variation, residue mobility, and thermodynamic stability) indicates that this missense variant is not expected to disrupt D2HGDH protein function with a negative predictive value of 80%. In summary, the available evidence is currently insufficient to determine the role of this variant in disease. Therefore, it has been classified as a Variant of Uncertain Significance.